The following is an entry in ClinVar:

NM_000019.4(ACAT1):c.940+1G>T

Gene: ACAT1 (acetyl-CoA acetyltransferase 1; plus strand). Cytogenetic location: 11q22.3.
Variant type: single nucleotide variant.
Coding change: c.940+1G>T on transcript NM_000019.4 (MANE Select); the canonical splice donor site of the intron after coding-DNA position 940, G replaced by T.
Molecular consequence: splice donor variant.
Genome position (GRCh38, 1-based): chr11:108,142,551, G>T. VCF-style: chr11-108142551-G-T. GRCh37 (hg19) VCF-style: chr11-108013278-G-T.
Other names: c.670+1G>T (NM_001386682.1, NM_001386681.1, NM_001386685.1 and 6 more transcripts); c.940+1G>T (NM_001386677.1); c.643+1G>T (NM_001386679.1); c.625+1G>T (NM_001386678.1).
Identifiers: ClinVar variation 666512 (VCV000666512.5), dbSNP rs1591371185, ClinGen allele CA382508172.

ClinVar aggregate classification (germline): Pathogenic/Likely pathogenic. Review status: criteria provided, multiple submitters, no conflicts (2 of 4 stars). 3 submissions from 3 submitters: Pathogenic (1); Likely pathogenic (2). Last evaluated 2026-01-15.

Conditions:
Deficiency of acetyl-CoA acetyltransferase. Also called: 3-KETOTHIOLASE DEFICIENCY; 3-OXOTHIOLASE DEFICIENCY; Beta-ketothiolase deficiency; MITOCHONDRIAL ACETOACETYL-CoA THIOLASE DEFICIENCY. Identifiers: Orphanet 134, MedGen C1536500, MONDO:0008760, OMIM 203750. Disease mechanism: loss of function.

Submissions (3):

Natera, Inc.
Classification: Likely pathogenic for Alpha-methylacetoacetic aciduria. Last evaluated: 2026-01-15. Review status: criteria provided, single submitter. Criteria: Natera Variant Classification Schema (03/2026). Collection method: clinical testing. Allele origin: germline.
Comment: The c.940+1G>T variant in ACAT1 is a canonical splice donor site variant predicted to affect pre-mRNA splicing, which may result in an abnormal transcript and altered protein product. This variant is expected to result in nonsense mediated decay, truncation, or a dysfunctional protein product. This variant is rare in the general population with a frequency below the threshold expected for the associated phenotype(s). This variant has been observed in one or more individuals affected with the associated recessive disease, as either homozygous or compound heterozygous with a second variant (PMID: 28689740). Given the available evidence, this variant is classified as Likely Pathogenic.

Labcorp Genetics (formerly Invitae), Labcorp
Classification: Likely pathogenic for Deficiency of acetyl-CoA acetyltransferase. Last evaluated: 2023-01-16. Review status: criteria provided, single submitter. Criteria: Invitae Variant Classification Sherloc (09022015). Collection method: clinical testing. Allele origin: germline.
Comment: This variant is not present in population databases (gnomAD no frequency). In summary, the currently available evidence indicates that the variant is pathogenic, but additional data are needed to prove that conclusively. Therefore, this variant has been classified as Likely Pathogenic. Algorithms developed to predict the effect of sequence changes on RNA splicing suggest that this variant may disrupt the consensus splice site. ClinVar contains an entry for this variant (Variation ID: 666512). Disruption of this splice site has been observed in individual(s) with mitochondrial acetoacetyl-CoA thiolase deficiency (PMID: 28689740). This sequence change affects a donor splice site in intron 9 of the ACAT1 gene. It is expected to disrupt RNA splicing. Variants that disrupt the donor or acceptor splice site typically lead to a loss of protein function (PMID: 16199547), and loss-of-function variants in ACAT1 are known to be pathogenic (PMID: 7749408).

Department of Pediatrics, Gifu University
Classification: Pathogenic for Deficiency of acetyl-CoA acetyltransferase. Last evaluated: 2019-05-05. Review status: criteria provided, single submitter. Criteria: ACMG Guidelines, 2015. Collection method: research. Allele origin: germline. Affected: yes. Observed: 1 variant allele.

Literature cited by the submitters: PubMed 28689740 (cited by Natera, Inc. and Labcorp Genetics (formerly Invitae), Labcorp); PubMed 16199547 (cited by Labcorp Genetics (formerly Invitae), Labcorp); PubMed 7749408 (cited by Labcorp Genetics (formerly Invitae), Labcorp); PubMed 31268215 (cited by Department of Pediatrics, Gifu University).